The following is an entry in ClinVar:

ClinVar aggregate classification (germline): Uncertain significance (1 of 4 stars; one submission).

Conditions:
Rolandic epilepsy, impaired intellectual development, and speech dyspraxia, X-linked. Also called: Rolandic epilepsy, impaired intellectual development, and speech dyspraxia; Rolandic epilepsy, intellectual disability, and speech dyspraxia, X-linked. Identifiers: MedGen C1845070, MONDO:0010388, OMIM 300643.

gnomAD v4.1: 1 of 1,209,319 alleles (0.000083%); highest among the groups gnomAD compares: Admixed American, 0.0022%; no homozygotes.

Submission:

Labcorp Genetics (formerly Invitae), Labcorp
Classification: Uncertain significance for Rolandic epilepsy, impaired intellectual development, and speech dyspraxia, X-linked. Last evaluated: 2020-03-03. Review status: criteria provided, single submitter. Criteria: Invitae Variant Classification Sherloc (09022015). Collection method: clinical testing. Allele origin: germline.
Comment: This sequence change replaces threonine with serine at codon 219 of the SRPX2 protein (p.Thr219Ser). The threonine residue is highly conserved and there is a small physicochemical difference between threonine and serine. This variant is not present in population databases (ExAC no frequency). This variant has not been reported in the literature in individuals with SRPX2-related conditions. Algorithms developed to predict the effect of missense changes on protein structure and function (SIFT, PolyPhen-2, Align-GVGD) all suggest that this variant is likely to be tolerated, but these predictions have not been confirmed by published functional studies and their clinical significance is uncertain. Algorithms developed to predict the effect of sequence changes on RNA splicing suggest that this variant may create or strengthen a splice site, but this prediction has not been confirmed by published transcriptional studies. In summary, the available evidence is currently insufficient to determine the role of this variant in disease. Therefore, it has been classified as a Variant of Uncertain Significance.

NM_014467.3(SRPX2):c.656C>G (p.Thr219Ser)

Gene: SRPX2 (sushi repeat containing protein X-linked 2; plus strand). Cytogenetic location: Xq22.1.
Variant type: single nucleotide variant.
Coding change: c.656C>G on transcript NM_014467.3 (MANE Select); coding-DNA position 656, C replaced by G.
Protein change: p.Thr219Ser; replaces threonine 219 with serine.
Molecular consequence: missense variant.
Genome position (GRCh38, 1-based): chrX:100,665,366, C>G. VCF-style: chrX-100665366-C-G. GRCh37 (hg19) VCF-style: chrX-99920363-C-G.
Other names: short protein forms T219S.
Identifiers: ClinVar variation 1038364 (VCV001038364.9), dbSNP rs924461236, ClinGen allele CA413935076.
Genomic context (GRCh38, chrX:100,665,366, plus strand): 5'-TGACTGCTCGAGTATACTGGGACCCACCGTTGGTGAAAGATTCTGCTGATGGTACCATCA[C>G]CAGGTGAGCCTGAATAATGGATGCCCCTTATGCCTTCCCTCGGCTTCTCTCAGTCATTCA-3'
Protein context (NP_055282.1, residues 209-229): LVKDSADGTI[Thr219Ser]RVTLRGPEPG